The following is an entry in ClinVar:

ClinVar aggregate classification (germline): Pathogenic (1 of 4 stars; one submission).

Conditions:
Hereditary cancer-predisposing syndrome. Also called: Neoplastic Syndromes, Hereditary; Tumor predisposition; Hereditary neoplastic syndrome; Hereditary Cancer Syndrome. Identifiers: Orphanet 140162, MedGen C0027672, MeSH D009386, MONDO:0015356.

Submission:

Ambry Genetics
Classification: Pathogenic for Hereditary cancer-predisposing syndrome. Last evaluated: 2026-07-15. Review status: criteria provided, single submitter. Criteria: Ambry Variant Classification Scheme 2023. Collection method: clinical testing. Allele origin: germline.
Comment: The c.839_842dupGGCC pathogenic mutation, located in coding exon 7 of the SUFU gene, results from a duplication of GGCC at nucleotide position 839, causing a translational frameshift with a predicted alternate stop codon (p.P282Afs*5). This variant is considered to be rare based on population cohorts in the Genome Aggregation Database (gnomAD). This alteration is expected to result in loss of function by premature protein truncation or nonsense-mediated mRNA decay. As such, this alteration is interpreted as a disease-causing mutation.

NM_016169.4(SUFU):c.839_842dup (p.Pro282fs)

Gene: SUFU (SUFU negative regulator of hedgehog signaling; plus strand). Cytogenetic location: 10q24.32.
Variant type: Duplication.
Coding change: c.839_842dup on transcript NM_016169.4 (MANE Select); coding-DNA positions 839 to 842, 4 bases duplicated (GGCC; older notation c.839_842dupGGCC).
Protein change: p.Pro282fs; shifts the reading frame from proline 282.
Molecular consequence: frameshift variant.
Genome position (GRCh38, 1-based): chr10:102,597,222-102,597,225, GGCC duplicated; duplicating any 4 consecutive bases within chr10:102,597,219-102,597,225 gives the same sequence; the c. name uses the placement nearest the transcript's 3' end. VCF-style (leftmost placement, unchanged base first): chr10-102597218-A-AGCCG. GRCh37 (hg19) VCF-style: chr10-104356975-A-AGCCG.
Other names: c.839_842dup, p.Pro282fs (NM_001178133.2); c.839_842dupGGCC (NM_016169.3); short protein forms P282fs.
Identifiers: ClinVar variation 5030432 (VCV005030432.1).